The following is an entry in ClinVar:

NM_004924.6(ACTN4):c.2362G>A (p.Glu788Lys)

Gene: ACTN4 (actinin alpha 4; plus strand). Cytogenetic location: 19q13.2.
Variant type: single nucleotide variant.
Coding change: c.2362G>A on transcript NM_004924.6 (MANE Select); coding-DNA position 2362, G replaced by A.
Protein change: p.Glu788Lys; replaces glutamic acid 788 with lysine.
Molecular consequence: missense variant. On other transcripts: intron variant (1).
Genome position (GRCh38, 1-based): chr19:38,727,970, G>A. VCF-style: chr19-38727970-G-A. GRCh37 (hg19) VCF-style: chr19-39218610-G-A.
Other names: c.2362G>A, p.Glu788Lys (NM_001411143.1); c.2338-346G>A (NM_001322033.2); short protein forms E788K.
Identifiers: ClinVar variation 2633775 (VCV002633775.1), dbSNP rs2515317997, ClinGen allele CA405704547.

ClinVar aggregate classification (germline): Uncertain significance (1 of 4 stars; one submission).

Conditions:
ACTN4-related disorder. Also called: ACTN4-related condition.

Allele frequency attached by ClinVar (database versions not stated): gnomAD exomes below 0.00001.
gnomAD v4.1: 1 of 1,612,606 alleles (0.000062%); highest among the groups gnomAD compares: Non-Finnish European, 0.000085%; no homozygotes.

Submission:

PreventionGenetics, part of Exact Sciences
Classification: Uncertain significance for ACTN4-related condition. Last evaluated: 2023-04-20. Review status: criteria provided, single submitter. Criteria: ACMG Guidelines, 2015. Collection method: clinical testing. Allele origin: germline.
Comment: The ACTN4 c.2362G>A variant is predicted to result in the amino acid substitution p.Glu788Lys. To our knowledge, this variant has not been reported in the literature or in a large population database, indicating this variant is rare. At this time, the clinical significance of this variant is uncertain due to the absence of conclusive functional and genetic evidence.